The following is an entry in ClinVar:

NM_001134363.3(RBM20):c.2455_2456delinsGT (p.Lys819Val)

Gene: RBM20 (RNA binding motif protein 20; plus strand). Cytogenetic location: 10q25.2.
Variant type: Indel.
Coding change: c.2455_2456delinsGT on transcript NM_001134363.3 (MANE Select); coding-DNA positions 2455 to 2456, AA replaced by GT.
Protein change: p.Lys819Val; replaces lysine 819 with valine.
Molecular consequence: missense variant.
Genome position (GRCh38, 1-based): chr10:110,812,852-110,812,853, AA replaced by GT. VCF-style: chr10-110812852-AA-GT. GRCh37 (hg19) VCF-style: chr10-112572610-AA-GT.
Other names: short protein forms K819V.
Identifiers: ClinVar variation 3722951 (VCV003722951.2).
Genomic context (GRCh38, chr10:110,812,852, plus strand): 5'-GATGACTCAGGCAAGGAAGATGGGCTGGGGCCAAAGGTCACTAGGGCCCCTGAGGGCGCC[AA>GT]GGCCAAGCAGAATGAGAAAAATAAAACCAAGAGAACTGATAGAGACCAAGAAGGAGCTGA-3'
Protein context (NP_001127835.2, residues 809-829): PKVTRAPEGA[Lys819Val]AKQNEKNKTK

ClinVar aggregate classification (germline): Uncertain significance (1 of 4 stars; one submission).

Conditions:
Dilated cardiomyopathy 1DD (CMD1DD). Identifiers: Orphanet 154, MedGen C2750995, MONDO:0013168, OMIM 613172.

Submission:

Labcorp Genetics (formerly Invitae), Labcorp
Classification: Uncertain significance for Dilated cardiomyopathy 1DD. Last evaluated: 2025-01-20. Review status: criteria provided, single submitter. Criteria: Invitae Variant Classification Sherloc (09022015). Collection method: clinical testing. Allele origin: germline.
Comment: This sequence change replaces lysine, which is basic and polar, with valine, which is neutral and non-polar, at codon 819 of the RBM20 protein (p.Lys819Val). Information on the frequency of this variant in the gnomAD database is not available, as this variant may be reported differently in the database. This variant has not been reported in the literature in individuals affected with RBM20-related conditions. An algorithm developed to predict the effect of missense changes on protein structure and function (PolyPhen-2) suggests that this variant is likely to be tolerated. In summary, the available evidence is currently insufficient to determine the role of this variant in disease. Therefore, it has been classified as a Variant of Uncertain Significance.